The following is an entry in ClinVar:

ClinVar aggregate classification (germline): Uncertain significance (1 of 4 stars; one submission).

gnomAD v4.1: 1 of 1,614,156 alleles (0.000062%); highest among the groups gnomAD compares: Admixed American, 0.0017%; no homozygotes.

Submission:

Labcorp Genetics (formerly Invitae), Labcorp
Classification: Uncertain significance. Last evaluated: 2021-04-29. Review status: criteria provided, single submitter. Criteria: Invitae Variant Classification Sherloc (09022015). Collection method: clinical testing. Allele origin: germline.
Comment: Algorithms developed to predict the effect of missense changes on protein structure and function (SIFT, PolyPhen-2, Align-GVGD) all suggest that this variant is likely to be disruptive, but these predictions have not been confirmed by published functional studies and their clinical significance is uncertain. In summary, the available evidence is currently insufficient to determine the role of this variant in disease. Therefore, it has been classified as a Variant of Uncertain Significance. Algorithms developed to predict the effect of sequence changes on RNA splicing suggest that this variant may create or strengthen a splice site, but this prediction has not been confirmed by published transcriptional studies. This variant has not been reported in the literature in individuals with C1S-related conditions. This variant is not present in population databases (ExAC no frequency). This sequence change replaces isoleucine with valine at codon 438 of the C1S protein (p.Ile438Val). The isoleucine residue is highly conserved and there is a small physicochemical difference between isoleucine and valine.

NM_001734.5(C1S):c.1312A>G (p.Ile438Val)

Gene: C1S (complement C1s; plus strand). Cytogenetic location: 12p13.31.
Variant type: single nucleotide variant.
Coding change: c.1312A>G on transcript NM_001734.5 (MANE Select); coding-DNA position 1312, A replaced by G.
Protein change: p.Ile438Val; replaces isoleucine 438 with valine.
Molecular consequence: missense variant.
Genome position (GRCh38, 1-based): chr12:7,069,896, A>G. VCF-style: chr12-7069896-A-G. GRCh37 (hg19) VCF-style: chr12-7177200-A-G.
Other names: c.811A>G, p.Ile271Val (NM_001346850.2); c.1312A>G, p.Ile438Val (NM_201442.4); short protein forms I271V, I438V.
Identifiers: ClinVar variation 1440180 (VCV001440180.8), dbSNP rs1555162900, ClinGen allele CA383703028.
Genomic context (GRCh38, chr12:7,069,896, plus strand): 5'-TTGTTTTATTCCTTCCTAGTCTGTGGAGTCCCCAGAGAACCCTTTGAAGAAAAACAGAGG[A>G]TAATTGGAGGATCCGATGCAGATATTAAAAACTTCCCCTGGCAAGTCTTCTTTGACAACC-3'
Protein context (NP_001725.1, residues 428-448): PREPFEEKQR[Ile438Val]IGGSDADIKN